The following is an entry in ClinVar:

NM_013254.4(TBK1):c.207_210del (p.Lys69fs)

Gene: TBK1 (TANK binding kinase 1; plus strand). Cytogenetic location: 12q14.2.
Variant type: Deletion.
Coding change: c.207_210del on transcript NM_013254.4 (MANE Select); coding-DNA positions 207 to 210, 4 bases deleted (ATTA; older notation c.207_210delATTA).
Protein change: p.Lys69fs; shifts the reading frame from lysine 69.
Molecular consequence: frameshift variant.
Genome position (GRCh38, 1-based): chr12:64,460,308-64,460,311, ATTA deleted; deleting any 4 consecutive bases within chr12:64,460,307-64,460,311 gives the same sequence; the c. name uses the placement nearest the transcript's 3' end. VCF-style (leftmost placement, unchanged base first): chr12-64460306-AAATT-A. GRCh37 (hg19) VCF-style: chr12-64854086-AAATT-A.
Other names: short protein forms K69fs.
Identifiers: ClinVar variation 3897039 (VCV003897039.1).

ClinVar aggregate classification (germline): Likely pathogenic (1 of 4 stars; one submission).

Conditions:
Frontotemporal dementia and/or amyotrophic lateral sclerosis 4. Also called: FTDALS4. Identifiers: Orphanet 275872, MedGen C4225325, MONDO:0014641, OMIM 616439.

Submission:

Kariminejad - Najmabadi Pathology & Genetics Center
Classification: Likely pathogenic for Frontotemporal dementia and/or amyotrophic lateral sclerosis 4. Last evaluated: 2024-06-30. Review status: criteria provided, single submitter. Criteria: ACMG Guidelines, 2015. Collection method: clinical testing. Allele origin: germline. Inheritance: Autosomal dominant inheritance. Affected: yes.
Comment: PVS1(Very Strong), PM2